The following is an entry in ClinVar:

ClinVar aggregate classification (germline): Uncertain significance (1 of 4 stars; one submission).

Conditions:
Charcot-Marie-Tooth Neuropathy X. Identifiers: MedGen CN118851.

Submission:

Labcorp Genetics (formerly Invitae), Labcorp
Classification: Uncertain significance for Charcot-Marie-Tooth Neuropathy X. Last evaluated: 2019-07-03. Review status: criteria provided, single submitter. Criteria: Invitae Variant Classification Sherloc (09022015). Collection method: clinical testing. Allele origin: germline.
Comment: In summary, the available evidence is currently insufficient to determine the role of this variant in disease. Therefore, it has been classified as a Variant of Uncertain Significance. This sequence change replaces threonine with proline at codon 55 of the GJB1 protein (p.Thr55Pro). The threonine residue is highly conserved and there is a small physicochemical difference between threonine and proline. This variant is not present in population databases (ExAC no frequency). This variant has not been reported in the literature in individuals with GJB1-related disease. Algorithms developed to predict the effect of missense changes on protein structure and function do not agree on the potential impact of this missense change (SIFT: "Deleterious"; PolyPhen-2: "Probably Damaging"; Align-GVGD: "Class C0"). Other missense substitutions at this codon (p.Thr55Ile, p.Thr55Arg, and p.Thr55Ala) have been reported in individuals affected with Charcot-Marie-Tooth disease (PMID: 10220155, 12185164, 12477701, 11271367).

Literature cited by the submitters: PubMed 10220155; PubMed 12185164; PubMed 12477701; PubMed 11271367.

NM_000166.6(GJB1):c.163A>C (p.Thr55Pro)

Gene: GJB1 (gap junction protein beta 1; plus strand). Cytogenetic location: Xq13.1.
Variant type: single nucleotide variant.
Coding change: c.163A>C on transcript NM_000166.6 (MANE Select); coding-DNA position 163, A replaced by C.
Protein change: p.Thr55Pro; replaces threonine 55 with proline.
Molecular consequence: missense variant.
Genome position (GRCh38, 1-based): chrX:71,223,870, A>C. VCF-style: chrX-71223870-A-C. GRCh37 (hg19) VCF-style: chrX-70443720-A-C.
Other names: c.163A>C, p.Thr55Pro (NM_001097642.3); short protein forms T55P.
Identifiers: ClinVar variation 543922 (VCV000543922.10), dbSNP rs863224613, ClinGen allele CA413501213.